The following is an entry in ClinVar:

ClinVar aggregate classification (germline): Uncertain significance (1 of 4 stars; one submission).

Conditions:
SEMA3F-related disorder. Also called: SEMA3F-related condition.

Allele frequency attached by ClinVar (database versions not stated): ExAC 0.00001; gnomAD 0.00001.
gnomAD v4.1: 30 of 1,613,302 alleles (0.0019%); highest among the groups gnomAD compares: Middle Eastern, 0.016%; no homozygotes.

Submission:

PreventionGenetics, part of Exact Sciences
Classification: Uncertain significance for SEMA3F-related condition. Last evaluated: 2023-03-09. Review status: criteria provided, single submitter. Criteria: ACMG Guidelines, 2015. Collection method: clinical testing. Allele origin: germline.
Comment: The SEMA3F c.845G>A variant is predicted to result in the amino acid substitution p.Arg282Gln. To our knowledge, this variant has not been reported in the literature. This variant is reported in 0.0098% of alleles in individuals of South Asian descent in gnomAD. At this time, the clinical significance of this variant is uncertain due to the absence of conclusive functional and genetic evidence.

NM_004186.5(SEMA3F):c.845G>A (p.Arg282Gln)

Gene: SEMA3F (semaphorin 3F; plus strand). Cytogenetic location: 3p21.31.
Variant type: single nucleotide variant.
Coding change: c.845G>A on transcript NM_004186.5 (MANE Select); coding-DNA position 845, G replaced by A.
Protein change: p.Arg282Gln; replaces arginine 282 with glutamine.
Molecular consequence: missense variant.
Genome position (GRCh38, 1-based): chr3:50,182,725, G>A. VCF-style: chr3-50182725-G-A. GRCh37 (hg19) VCF-style: chr3-50220158-G-A.
Other names: c.548G>A, p.Arg183Gln (NM_001318798.2); c.752G>A, p.Arg251Gln (NM_001318800.2); short protein forms R183Q, R251Q, R282Q.
Identifiers: ClinVar variation 2636820 (VCV002636820.1), dbSNP rs750832268, ClinGen allele CA2411926.